The following is an entry in ClinVar:

NM_012472.6(DNAAF11):c.429+1G>A

Gene: DNAAF11 (dynein axonemal assembly factor 11; minus strand). Cytogenetic location: 8q24.22.
Variant type: single nucleotide variant.
Coding change: c.429+1G>A on transcript NM_012472.6 (MANE Select); the canonical splice donor site of the intron after coding-DNA position 429, G replaced by A.
Molecular consequence: splice donor variant.
Genome position (GRCh38, 1-based): chr8:132,637,934, C>T on the plus strand (G>A on the coding strand, the complement: DNAAF11 is on the minus strand). VCF-style: chr8-132637934-C-T. GRCh37 (hg19) VCF-style: chr8-133650180-C-T.
Other names: c.183+1G>A (NM_001321962.2); c.429+1G>A (NM_001321961.2); c.69+1G>A (NM_001321966.2, NM_001321963.2, NM_001321964.2 and 1 more transcripts).
Identifiers: ClinVar variation 4849415 (VCV004849415.1).

ClinVar aggregate classification (germline): Likely pathogenic (1 of 4 stars; one submission).

Conditions:
Primary ciliary dyskinesia 19. Also called: CILIARY DYSKINESIA, PRIMARY, 19, WITH OR WITHOUT SITUS INVERSUS. Identifiers: Orphanet 244, MedGen C3543826, MONDO:0013979, OMIM 614935.

gnomAD v4.1: 2 of 1,603,708 alleles (0.00012%); highest among the groups gnomAD compares: South Asian, 0.0011%; no homozygotes.

Submission:

First Genomix Gene Laboratory, Genetic Diagnostics Department
Classification: Likely pathogenic for Primary ciliary dyskinesia 19. Last evaluated: 2025-05-29. Review status: criteria provided, single submitter. Criteria: ACMG Guidelines, 2015. Collection method: clinical testing. Allele origin: germline. Inheritance: Autosomal recessive inheritance. Affected: no. Observed: 1 variant allele.